The following is an entry in ClinVar:

ClinVar aggregate classification (germline): Likely pathogenic (1 of 4 stars; one submission).

Submission:

GeneDx
Classification: Likely pathogenic. Last evaluated: 2017-05-01. Review status: criteria provided, single submitter. Criteria: GeneDx Variant Classification (06012015). Collection method: clinical testing. Allele origin: germline. Affected: yes.
Comment: The D132G variant that is likely pathogenic has been identified in the CALM3 gene. The D132G variant has not been published as a pathogenic variant, nor has it been reported as a benign variant to our knowledge. This variant was not observed in approximately 6,500 individuals of European and African American ancestry in the NHLBI Exome Sequencing Project, indicating it is not a common benign variant in these populations. The D132G variant is a non-conservative amino acid substitution, which is likely to impact secondary protein structure as these residues differ in polarity, charge, size and/or other properties. This substitution occurs at a position within the fourth EF-hand calcium binding domain that is conserved across species. In silico analysis predicts this variant is probably damaging to the protein structure/function. Furthermore, another known pathogenic variant at an analogous position to D132G within another CALM gene (CALM2 p.D132E) has been reported in HGMD in association with LQTS and CPVT. However, to our knowledge no studies have been performed to determine the functional effect of the D132G variant.Therefore, this variant is likely pathogenic. In order to definitively determine its clinical significance, additional data is required.

NM_005184.4(CALM3):c.395A>G (p.Asp132Gly)

Gene: CALM3 (calmodulin 3; plus strand). Cytogenetic location: 19q13.32.
Variant type: single nucleotide variant.
Coding change: c.395A>G on transcript NM_005184.4 (MANE Select); coding-DNA position 395, A replaced by G.
Protein change: p.Asp132Gly; replaces aspartic acid 132 with glycine.
Molecular consequence: missense variant.
Genome position (GRCh38, 1-based): chr19:46,608,955, A>G. VCF-style: chr19-46608955-A-G. GRCh37 (hg19) VCF-style: chr19-47112212-A-G.
Other names: c.287A>G, p.Asp96Gly (NM_001329921.1, NM_001329923.1, NM_001329924.2 and 2 more transcripts); c.395A>G, p.Asp132Gly (NM_001329922.1); short protein forms D132G, D96G.
Identifiers: ClinVar variation 389576 (VCV000389576.2), dbSNP rs1057523474, ClinGen allele CA16608277.